The following is an entry in ClinVar:

NM_005334.3(HCFC1):c.5528G>C (p.Gly1843Ala)

Gene: HCFC1 (host cell factor C1; minus strand). Cytogenetic location: Xq28.
Variant type: single nucleotide variant.
Coding change: c.5528G>C on transcript NM_005334.3 (MANE Select); coding-DNA position 5528, G replaced by C.
Protein change: p.Gly1843Ala; replaces glycine 1843 with alanine.
Molecular consequence: missense variant.
Genome position (GRCh38, 1-based): chrX:153,950,988, C>G on the plus strand (G>C on the coding strand, the complement: HCFC1 is on the minus strand). VCF-style: chrX-153950988-C-G. GRCh37 (hg19) VCF-style: chrX-153216439-C-G.
Other names: short protein forms G1843A.
Identifiers: ClinVar variation 211136 (VCV000211136.8), dbSNP rs797045609, ClinGen allele CA208530.
Genomic context (GRCh38, chrX:153,950,988, plus strand): 5'-TTATAGGCTGTGCCTGGCTGCAGCTCCTGCTTCTTCAGCTGGTTATAGTCAGGGACGGTG[C>G]CCAAATCATCCTAGGAAAAGAGGAGTGGCATGAACGCCACTGTGGAGAAGGCAGCTCTGG-3'
Protein context (NP_005325.2, residues 1833-1853): DDAVPSDDDL[Gly1843Ala]TVPDYNQLKK

ClinVar aggregate classification (germline): Uncertain significance. Review status: criteria provided, multiple submitters, no conflicts (2 of 4 stars). 2 submissions from 2 submitters: Uncertain significance (2). Last evaluated 2025-11-15.

Allele frequency attached by ClinVar (database versions not stated): gnomAD exomes 0.00001.
gnomAD v4.1: 14 of 1,209,082 alleles (0.0012%); highest among the groups gnomAD compares: South Asian, 0.025%; no homozygotes.

Submissions (2):

GeneDx
Classification: Uncertain significance. Last evaluated: 2025-11-15. Review status: criteria provided, single submitter. Criteria: GeneDx Variant Classification Process June 2021. Collection method: clinical testing. Allele origin: germline.
Comment: Not observed at significant frequency in large population cohorts (gnomAD); In silico analysis suggests that this missense variant does not alter protein structure/function; Has not been previously published as pathogenic or benign to our knowledge

Genetic Services Laboratory, University of Chicago
Classification: Uncertain significance. Last evaluated: 2015-05-28. Review status: criteria provided, single submitter. Criteria: ACMG Guidelines, 2015. Collection method: clinical testing. Allele origin: germline.